The following is an entry in ClinVar:

ClinVar aggregate classification (germline): Uncertain significance (1 of 4 stars; one submission).

Allele frequency attached by ClinVar (database versions not stated): ExAC 0.00001; gnomAD exomes 0.00001.
gnomAD v4.1: 11 of 1,612,246 alleles (0.00068%); highest among the groups gnomAD compares: Non-Finnish European, 0.00093%; no homozygotes.

Submission:

GeneDx
Classification: Uncertain significance. Last evaluated: 2022-10-11. Review status: criteria provided, single submitter. Criteria: GeneDx Variant Classification Process June 2021. Collection method: clinical testing. Allele origin: germline. Affected: yes.
Comment: Not observed at significant frequency in large population cohorts (gnomAD); In silico analysis supports that this missense variant has a deleterious effect on protein structure/function; Has not been previously published as pathogenic or benign to our knowledge

NM_024996.7(GFM1):c.137T>A (p.Ile46Lys)

Gene: GFM1 (G elongation factor mitochondrial 1; plus strand). Cytogenetic location: 3q25.32.
Variant type: single nucleotide variant.
Coding change: c.137T>A on transcript NM_024996.7 (MANE Select); coding-DNA position 137, T replaced by A.
Protein change: p.Ile46Lys; replaces isoleucine 46 with lysine.
Molecular consequence: missense variant. On other transcripts: 5 prime UTR variant (4), non-coding transcript variant (4).
Genome position (GRCh38, 1-based): chr3:158,645,684, T>A. VCF-style: chr3-158645684-T-A. GRCh37 (hg19) VCF-style: chr3-158363473-T-A.
Other names: c.137T>A, p.Ile46Lys (NM_001308164.2, NM_001308166.2, NM_001374355.1 and 2 more transcripts); c.-89T>A (NM_001374357.1); c.-93T>A (NM_001374359.1, NM_001374360.1, NM_001374361.1); short protein forms I46K.
Identifiers: ClinVar variation 2499287 (VCV002499287.1), dbSNP rs770594695, ClinGen allele CA2682232.